The following is an entry in ClinVar:

NM_005228.5(EGFR):c.2231_2232insAAAATTCCCGTCGCTA (p.Glu746fs)

Gene: EGFR (epidermal growth factor receptor; plus strand). Cytogenetic location: 7p11.2.
Variant type: Insertion.
Coding change: c.2231_2232insAAAATTCCCGTCGCTA on transcript NM_005228.5 (MANE Select); coding-DNA positions 2231 to 2232, AAAATTCCCGTCGCTA inserted.
Protein change: p.Glu746fs; shifts the reading frame from glutamic acid 746.
Molecular consequence: frameshift variant.
Genome position: GRCh38 VCF-style: chr7-55174768-T-TAAAATTCCCGTCGCTA. GRCh37 (hg19) VCF-style: chr7-55242461-T-TAAAATTCCCGTCGCTA.
Other names: c.2096_2097insAAAATTCCCGTCGCTA, p.Glu701fs (NM_001346897.2, NM_001346899.2); c.2231_2232insAAAATTCCCGTCGCTA, p.Glu746fs (NM_001346898.2); c.2072_2073insAAAATTCCCGTCGCTA, p.Glu693fs (NM_001346900.2); c.1430_1431insAAAATTCCCGTCGCTA, p.Glu479fs (NM_001346941.2); short protein forms E479fs, E701fs, E746fs, E693fs.
Identifiers: ClinVar variation 177790 (VCV000177790.4), dbSNP rs727504326, ClinGen allele CA180774.
Genomic context (GRCh38, chr7:55,174,768, plus strand): 5'-TCTCTCTGTCATAGGGACTCTGGATCCCAGAAGGTGAGAAAGTTAAAATTCCCGTCGCTA[T>TAAAATTCCCGTCGCTA]CAAGGAATTAAGAGAAGCAACATCTCCGAAAGCCAACAAGGAAATCCTCGATGTGAGTTT-3'

ClinVar aggregate classification (germline): drug response (0 of 4 stars; one submission).

Conditions:
Tyrosine kinase inhibitor response. Also called: Protein-tyrosine kinase inhibitor response. Identifiers: MedGen CN225347.

Submission:

Laboratory for Molecular Medicine, Mass General Brigham Personalized Medicine
Classification: drug response for Tyrosine kinase inhibitor response. Last evaluated: 2008-01-02. Review status: no assertion criteria provided. Collection method: clinical testing. Allele origin: somatic. Observed: 1 variant allele.
Comment: (contact laboratory)